The following is an entry in ClinVar:

ClinVar aggregate classification (germline): Conflicting classifications of pathogenicity. Review status: criteria provided, conflicting classifications (1 of 4 stars). 7 submissions from 7 submitters: Pathogenic (1); Likely pathogenic (3); Uncertain significance (2). 1 of the submissions does not count toward it. Last evaluated 2024-09-26.

Conditions:
Hereditary cancer-predisposing syndrome. Also called: Tumor predisposition; Hereditary Cancer Syndrome; Hereditary neoplastic syndrome; Neoplastic Syndromes, Hereditary. Identifiers: Orphanet 140162, MedGen C0027672, MeSH D009386, MONDO:0015356.
Hereditary breast ovarian cancer syndrome. Also called: Hereditary breast and ovarian cancer; Breast and ovarian cancer; BRCA1- and BRCA2-Associated Hereditary Breast and Ovarian Cancer; Hereditary breast and ovarian cancer syndrome; Hereditary breast and ovarian cancer syndrome (HBOC); Hereditary breast and/or ovarian cancer syndrome. Identifiers: Orphanet 145, MedGen C0677776, MeSH D061325, MONDO:0003582. Disease mechanism: loss of function.
Familial cancer of breast. Also called: hereditary breast carcinoma; BREAST CANCER, FAMILIAL; Hereditary breast cancer. Identifiers: Orphanet 227535, MedGen C0346153, MONDO:0016419, OMIM 114480. Disease mechanism: loss of function.
Breast-ovarian cancer, familial, susceptibility to, 2 (BROVCA2). Also called: BRCA2 Hereditary Breast and Ovarian Cancer. Identifiers: Orphanet 145, MedGen C2675520, MONDO:0012933, OMIM 612555. Disease mechanism: loss of function.

Allele frequency attached by ClinVar (database versions not stated): gnomAD exomes below 0.00001.
gnomAD v4.1: 1 of 1,531,736 alleles (0.000065%); highest among the groups gnomAD compares: Non-Finnish European, 0.00009%; no homozygotes.

Submissions (7):

Ambry Genetics
Classification: Uncertain significance for Hereditary cancer-predisposing syndrome. Last evaluated: 2024-09-26. Review status: criteria provided, single submitter. Criteria: Ambry Variant Classification Scheme 2023. Collection method: clinical testing. Allele origin: germline.
Comment: The c.425+2T>C intronic variant results from a T to C substitution two nucleotides after coding exon 3 in the BRCA2 gene. This alteration has been identified in an individual diagnosed with breast and/or ovarian cancer (Santonocito C et al. Cancers (Basel), 2020 May;12:). This nucleotide position is highly conserved in available vertebrate species. In silico splice site analysis predicts that this alteration will weaken the native splice donor site. RNA studies have demonstrated that this alteration results in abnormal splicing in the set of samples tested (Ambry internal data). RNA studies of a close-match alteration, BRCA2 c.425G>T, have demonstrated that it results in complete abnormal splicing in the set of samples tested (Ambry internal data; Brand&atilde;o R et al. Breast Cancer Res. Treat. 2011 Oct;129(3):971-82; Nix P et al. Fam Cancer, 2021 Jan). BRCA2 c.425G>T, which has the same splicing profile as this alteration (Ambry internal data), was able to rescue the growth defect in BRCA2-null mouse embryonic stem cells and these surviving cells maintained partial activity in a homology directed DNA repair functional assay (Mesman R et al. Genet Med 2020 Aug;22(8):1355-1365). BRCA2 c.425G>T was also identified in patients who collectively have a phenotype that is not consistent with a high risk BRCA2 pathogenic variant (Nix P et al. Fam Cancer, 2021 Jan). Since supporting evidence is conflicting at this time, the clinical significance of this alteration remains unclear.

Women's Health and Genetics/Laboratory Corporation of America, LabCorp
Classification: Likely pathogenic for Hereditary breast ovarian cancer syndrome. Last evaluated: 2024-03-20. Review status: criteria provided, single submitter. Criteria: LabCorp Variant Classification Summary - May 2015. Collection method: clinical testing. Allele origin: germline.
Comment: Variant summary: BRCA2 c.425+2T>C is located in a canonical splice-site and is predicted to affect mRNA splicing resulting in a significantly altered protein due to either exon skipping, shortening, or inclusion of intronic material. Several computational tools predict a significant impact on normal splicing: Three predict the variant abolishes the canonical 5' splicing donor site. One predict the variant weakens the canonical 5' splicing donor site. However, to our knowledge, these predictions have yet to be confirmed by published peer-reviewed functional studies. However, at-least two well recognized peers within the data sharing community have reported a splicing impact. The variant was absent in 247740 control chromosomes. To our knowledge, this variant has not been reported as a single germline variant in isolation in an individual affected with Breast and/or Ovarian Cancer. Double heterozygosity in BRCA1 and BRCA2 genes, although extremely rare, have been reported (cited in Vietri_2020). At-least one additional co-occurrence with another pathogenic BRCA1 variant(s) has been observed at our laboratory (BRCA1 c.5266dup, p.Gln1756fs). To our knowledge, no experimental evidence demonstrating an impact on protein function has been reported. The following publications have been ascertained in the context of this evaluation (PMID: 33057101, 32234730, 31850198, 32438681, 33287145). ClinVar contains an entry for this variant (Variation ID: 234487). Based on the evidence outlined above, the variant was classified as likely pathogenic.

Labcorp Genetics (formerly Invitae), Labcorp
Classification: Pathogenic for Hereditary breast ovarian cancer syndrome. Last evaluated: 2024-02-23. Review status: criteria provided, single submitter. Criteria: Invitae Variant Classification Sherloc (09022015). Collection method: clinical testing. Allele origin: germline.
Comment: This sequence change affects a donor splice site in intron 4 of the BRCA2 gene. RNA analysis indicates that disruption of this splice site induces altered splicing and may result in an absent or disrupted protein product. This variant is not present in population databases (gnomAD no frequency). Disruption of this splice site has been observed in individual(s) with breast and/or ovarian cancer (PMID: 32438681, 33287145). ClinVar contains an entry for this variant (Variation ID: 234487). Studies have shown that disruption of this splice site results in skipping of exon 4 and introduces a premature termination codon (Invitae). The resulting mRNA is expected to undergo nonsense-mediated decay. For these reasons, this variant has been classified as Pathogenic.

Baylor Genetics
Classification: Likely pathogenic for Familial cancer of breast. Last evaluated: 2022-05-26. Review status: criteria provided, single submitter. Criteria: ACMG Guidelines, 2015. Collection method: clinical testing. Allele origin: unknown.

GeneDx
Classification: Uncertain significance. Last evaluated: 2021-07-21. Review status: criteria provided, single submitter. Criteria: GeneDx Variant Classification Process June 2021. Collection method: clinical testing. Allele origin: germline. Affected: yes.
Comment: Canonical splice site variant with an unclear effect on protein function, as an exonic splice variant at this splice junction, c.425G>T, results in the production of multiple transcripts, including potentially functional in-frame transcripts (Brandao 2011, Mesman 2020, Nix 2021); Not observed at significant frequency in large population cohorts (Lek 2016); Also known as 653+2T>C; This variant is associated with the following publications: (PMID: 33287145)

Color Diagnostics, LLC DBA Color Health
Classification: Likely pathogenic for Hereditary cancer-predisposing syndrome. Last evaluated: 2020-02-06. Review status: criteria provided, single submitter. Criteria: ACMG Guidelines, 2015. Collection method: clinical testing. Allele origin: germline.
Comment: This variant causes a T>C nucleotide substitution at the +2 position of intron 4 of the BRCA2 gene. Splice site prediction tools predict that this variant may have a significant impact on RNA splicing. Although this prediction has not been confirmed in published RNA studies, this variant is expected to result in an absent or disrupted protein product. This variant has not been reported in individuals affected with hereditary cancer in the literature. This variant has not been identified in the general population by the Genome Aggregation Database (gnomAD). Loss of BRCA2 function is a known mechanism of disease. Based on the available evidence, this variant is classified as Likely Pathogenic.

Counsyl
Classification: Likely pathogenic for Breast-ovarian cancer, familial, susceptibility to, 2. Last evaluated: 2018-02-20. Review status: no assertion criteria provided. Collection method: clinical testing. Allele origin: unknown. Not counted in ClinVar's aggregate classification.

Literature cited by the submitters: PubMed 32438681 (cited by 3 submitters); PubMed 32234730 (cited by Women's Health and Genetics/Laboratory Corporation of America, LabCorp); PubMed 33287145 (cited by Women's Health and Genetics/Laboratory Corporation of America, LabCorp and Labcorp Genetics (formerly Invitae), Labcorp); PubMed 33057101 (cited by Women's Health and Genetics/Laboratory Corporation of America, LabCorp); PubMed 31850198 (cited by Women's Health and Genetics/Laboratory Corporation of America, LabCorp).

NM_000059.4(BRCA2):c.425+2T>C

Gene: BRCA2 (BRCA2 DNA repair associated; plus strand). Cytogenetic location: 13q13.1.
Variant type: single nucleotide variant.
Coding change: c.425+2T>C on transcript NM_000059.4 (MANE Select); the canonical splice donor site of the intron after coding-DNA position 425, T replaced by C.
Molecular consequence: splice donor variant.
Genome position (GRCh38, 1-based): chr13:32,325,186, T>C. VCF-style: chr13-32325186-T-C. GRCh37 (hg19) VCF-style: chr13-32899323-T-C.
Other names: c.425+2T>C (NM_001406720.1, NM_001406719.1, NM_001406721.1); c.56+2T>C (NM_001406722.1).
Identifiers: ClinVar variation 234487 (VCV000234487.25), dbSNP rs876661045, ClinGen allele CA10577457.